The following is an entry in ClinVar:

ClinVar aggregate classification (germline): Uncertain significance (1 of 4 stars; one submission).

Conditions:
Neuropathy, hereditary sensory and autonomic, type 2A (HSAN2A). Also called: ACROOSTEOLYSIS, GIACCAI TYPE; ACROOSTEOLYSIS, NEUROGENIC; MORVAN DISEASE; NEUROPATHY, CONGENITAL SENSORY; NEUROPATHY, HEREDITARY SENSORY RADICULAR, AUTOSOMAL RECESSIVE; NEUROPATHY, HEREDITARY SENSORY, TYPE IIA. Identifiers: Orphanet 970, MedGen C2752089, MONDO:0024309, OMIM 201300.
Pseudohypoaldosteronism type 2C (PHA2C). Also called: Pseudohypoaldosteronism Type IIC. Identifiers: Orphanet 757, Orphanet 88940, MedGen C1840391, MONDO:0013778, OMIM 614492.

Submission:

Labcorp Genetics (formerly Invitae), Labcorp
Classification: Uncertain significance for Neuropathy, hereditary sensory and autonomic, type 2A; Pseudohypoaldosteronism type 2C. Last evaluated: 2024-03-28. Review status: criteria provided, single submitter. Criteria: Invitae Variant Classification Sherloc (09022015). Collection method: clinical testing. Allele origin: germline.
Comment: This sequence change replaces valine, which is neutral and non-polar, with isoleucine, which is neutral and non-polar, at codon 1030 of the WNK1 protein (p.Val1030Ile). This variant is not present in population databases (gnomAD no frequency). This variant has not been reported in the literature in individuals affected with WNK1-related conditions. Advanced modeling of protein sequence and biophysical properties (such as structural, functional, and spatial information, amino acid conservation, physicochemical variation, residue mobility, and thermodynamic stability) performed at Invitae indicates that this missense variant is not expected to disrupt WNK1 protein function with a negative predictive value of 95%. In summary, the available evidence is currently insufficient to determine the role of this variant in disease. Therefore, it has been classified as a Variant of Uncertain Significance.

NM_213655.5(WNK1):c.3088G>A (p.Val1030Ile)

Gene: WNK1 (WNK lysine deficient protein kinase 1; plus strand). Cytogenetic location: 12p13.33.
Variant type: single nucleotide variant.
Coding change: c.3088G>A on transcript NM_213655.5 (MANE Plus Clinical); coding-DNA position 3088, G replaced by A.
Protein change: p.Val1030Ile; replaces valine 1030 with isoleucine.
Molecular consequence: missense variant. On other transcripts: intron variant (2).
Genome position (GRCh38, 1-based): chr12:868,559, G>A. VCF-style: chr12-868559-G-A. GRCh37 (hg19) VCF-style: chr12-977725-G-A.
Other names: c.2833G>A, p.Val945Ile (NM_001184985.2); c.2140-2706G>A (NM_018979.4, NM_014823.3); short protein forms V1030I, V945I.
Identifiers: ClinVar variation 3753831 (VCV003753831.2).